The following is an entry in ClinVar:

ClinVar aggregate classification (germline): Conflicting classifications of pathogenicity. Review status: criteria provided, conflicting classifications (1 of 4 stars). 5 submissions from 5 submitters: Likely pathogenic (1); Uncertain significance (4). Last evaluated 2026-06-02.

Conditions:
Cardiovascular phenotype. Identifiers: MedGen CN230736.
Cardiomyopathy (CMYO). Also called: Cardiomyopathies. Identifiers: Orphanet 167848, MedGen C0878544, MONDO:0004994, HP:0001638. Inheritance: Various modes of inheritance.
Hypertrophic cardiomyopathy. Also called: HYPERTROPHIC MYOCARDIOPATHY. Identifiers: Orphanet 217569, MedGen C0007194, MeSH D002312, MONDO:0005045, HP:0001639.
Hypertrophic cardiomyopathy 1 (CMH1). Also called: Familial hypertrophic cardiomyopathy 1; MYH7-Related Familial Hypertrophic Cardiomyopathy. Identifiers: MedGen C3495498, MONDO:0008647, OMIM 192600.

gnomAD v4.1: 4 of 1,614,226 alleles (0.00025%); highest among the groups gnomAD compares: Admixed American, 0.0017%; no homozygotes.

Submissions (5):

Ambry Genetics
Classification: Uncertain significance for Cardiovascular phenotype. Last evaluated: 2026-06-02. Review status: criteria provided, single submitter. Criteria: Ambry Variant Classification Scheme 2023. Collection method: clinical testing. Allele origin: germline.
Comment: The p.H1524R variant (also known as c.4571A>G), located in coding exon 31 of the MYH7 gene, results from an A to G substitution at nucleotide position 4571. The histidine at codon 1524 is replaced by arginine, an amino acid with highly similar properties. This variant has been reported in association with hypertrophic cardiomyopathy (HCM) and has been reported with a second alteration in MYBPC3 in one case (Marsiglia JD et al. Am Heart J, 2013 Oct;166:775-82; Homburger JR et al. Proc Natl Acad Sci U S A, 2016 Jun;113:6701-6). This amino acid position is highly conserved in available vertebrate species. In addition, the in silico prediction for this alteration is inconclusive. Based on the available evidence, the clinical significance of this variant remains unclear.

Revvity Omics, Revvity
Classification: Uncertain significance. Last evaluated: 2025-03-20. Review status: criteria provided, single submitter. Criteria: ACMG Guidelines, 2015. Collection method: clinical testing. Allele origin: germline.

All of Us Research Program, National Institutes of Health
Classification: Uncertain significance for Cardiomyopathy. Last evaluated: 2023-02-10. Review status: criteria provided, single submitter. Criteria: ACMG Guidelines, 2015. Collection method: clinical testing. Allele origin: germline. Inheritance: Autosomal dominant inheritance. Observed: 1 variant allele, 1 heterozygote.
Comment: This study involves interpretation of variants in research participants for the purpose of population health screening. Participant phenotype was not available at the time of variant classification. Additional details can be found in publication PMID: 35346344, PMCID: PMC8962531

Labcorp Genetics (formerly Invitae), Labcorp
Classification: Uncertain significance for Hypertrophic cardiomyopathy. Last evaluated: 2022-09-06. Review status: criteria provided, single submitter. Criteria: Invitae Variant Classification Sherloc (09022015). Collection method: clinical testing. Allele origin: germline.
Comment: This sequence change replaces histidine, which is basic and polar, with arginine, which is basic and polar, at codon 1524 of the MYH7 protein (p.His1524Arg). In summary, the available evidence is currently insufficient to determine the role of this variant in disease. Therefore, it has been classified as a Variant of Uncertain Significance. Algorithms developed to predict the effect of sequence changes on RNA splicing suggest that this variant may create or strengthen a splice site. Algorithms developed to predict the effect of missense changes on protein structure and function are either unavailable or do not agree on the potential impact of this missense change (SIFT: "Deleterious"; PolyPhen-2: "Benign"; Align-GVGD: "Class C0"). ClinVar contains an entry for this variant (Variation ID: 217469). This missense change has been observed in individual(s) with hypertrophic cardiomyopathy (PMID: 27247418). This variant is present in population databases (no rsID available, gnomAD 0.0009%).

Laboratory of Genetics and Molecular Cardiology, University of São Paulo
Classification: Likely pathogenic for Hypertrophic cardiomyopathy 1. Review status: criteria provided, single submitter. Criteria: LGCM Criteria August 2015. Collection method: clinical testing. Allele origin: germline. Inheritance: Autosomal dominant inheritance. Affected: yes. Observed: 1 variant allele. Study: Sarcomeric Human Cardiomyopathy Registry (ShaRe).

Literature cited by the submitters: PubMed 24093860 (cited by Ambry Genetics); PubMed 27247418 (cited by Ambry Genetics and Labcorp Genetics (formerly Invitae), Labcorp).

NM_000257.4(MYH7):c.4571A>G (p.His1524Arg)

Genes: MHRT (myosin heavy chain associated RNA transcript; plus strand), MYH7 (myosin heavy chain 7; minus strand). Cytogenetic location: 14q11.2.
Variant type: single nucleotide variant.
Coding change: c.4571A>G on transcript NM_000257.4 (MANE Select); coding-DNA position 4571, A replaced by G.
Protein change: p.His1524Arg; replaces histidine 1524 with arginine.
Molecular consequence: missense variant. On other transcripts: non-coding transcript variant (1).
Genome position (GRCh38, 1-based): chr14:23,416,941, T>C on the plus strand (A>G on the coding strand, the complement: MYH7 is on the minus strand). VCF-style: chr14-23416941-T-C. GRCh37 (hg19) VCF-style: chr14-23886150-T-C.
Other names: short protein forms H1524R.
Identifiers: ClinVar variation 217469 (VCV000217469.11), dbSNP rs767148171, ClinGen allele CA277672.
Genomic context (GRCh38, chr14:23,416,941, plus strand): 5'-AGGGCTGACTGCAGCTCCATCTTCTCGGCCTCCAGCTGCTTTCGGACCTTCTCCAGCTCA[T>C]GGATAGTCTTTCCGCTGGAACCCAACTGCTCAGTCAAGTCGGAGATCTCCTCTGTGTGGG-3'
Protein context (NP_000248.2, residues 1514-1534): EQLGSSGKTI[His1524Arg]ELEKVRKQLE